The following is an entry in ClinVar:

ClinVar aggregate classification (germline): Likely benign. Review status: criteria provided, multiple submitters, no conflicts (2 of 4 stars). 2 submissions from 2 submitters: Likely benign (2). Last evaluated 2025-02-24.

Conditions:
Hereditary spastic paraplegia 48. Also called: SPASTIC PARAPLEGIA 48, AUTOSOMAL RECESSIVE; Spastic paraplegia 48. Identifiers: Orphanet 306511, MedGen C3150901, MONDO:0013342, OMIM 613647.
AP5Z1-related disorder. Also called: AP5Z1-related condition.

Submissions (2):

PreventionGenetics, part of Exact Sciences
Classification: Likely benign for AP5Z1-related condition. Last evaluated: 2025-02-24. Review status: criteria provided, single submitter. Criteria: ACMG Guidelines, 2015. Collection method: clinical testing. Allele origin: germline.
Comment: This variant is classified as likely benign based on ACMG/AMP sequence variant interpretation guidelines (Richards et al. 2015 PMID: 25741868, with internal and published modifications).

Labcorp Genetics (formerly Invitae), Labcorp
Classification: Likely benign for Hereditary spastic paraplegia 48. Last evaluated: 2024-05-15. Review status: criteria provided, single submitter. Criteria: Invitae Variant Classification Sherloc (09022015). Collection method: clinical testing. Allele origin: germline.

NM_014855.3(AP5Z1):c.1938+9G>C

Gene: AP5Z1 (adaptor related protein complex 5 subunit zeta 1; plus strand). Cytogenetic location: 7p22.1.
Variant type: single nucleotide variant.
Coding change: c.1938+9G>C on transcript NM_014855.3 (MANE Select); 9 bases into the intron after coding-DNA position 1938, G replaced by C.
Molecular consequence: intron variant.
Genome position (GRCh38, 1-based): chr7:4,790,600, G>C. VCF-style: chr7-4790600-G-C. GRCh37 (hg19) VCF-style: chr7-4830231-G-C.
Other names: c.1470+9G>C (NM_001364858.1); c.1938+9G>C (NM_014855.2).
Identifiers: ClinVar variation 2147873 (VCV002147873.5), dbSNP rs1468128174, ClinGen allele CA572819293.